The following is an entry in ClinVar:

NM_001371623.1(TCOF1):c.3912del (p.Trp1305fs)

Gene: TCOF1 (treacle ribosome biogenesis factor 1; plus strand). Cytogenetic location: 5q32.
Variant type: Deletion.
Coding change: c.3912del on transcript NM_001371623.1 (MANE Select); coding-DNA position 3912, one base deleted (C; older notation c.3912delC).
Protein change: p.Trp1305fs; shifts the reading frame from tryptophan 1305.
Molecular consequence: frameshift variant.
Genome position (GRCh38, 1-based): chr5:150,396,409, C deleted; the last of 3 consecutive C bases (chr5:150,396,407-150,396,409); deleting any one gives the same sequence. VCF-style (leftmost placement, unchanged base first): chr5-150396406-AC-A. GRCh37 (hg19) VCF-style: chr5-149775969-AC-A.
Other names: c.3678del, p.Trp1227fs (NM_000356.4); c.3909del, p.Trp1304fs (NM_001135243.2); c.3798del, p.Trp1267fs (NM_001135244.2); c.3681del, p.Trp1228fs (NM_001135245.2); c.3795del, p.Trp1266fs (NM_001195141.2); short protein forms W1304fs, W1266fs, W1267fs, W1227fs, W1228fs, W1305fs.
Identifiers: ClinVar variation 1995702 (VCV001995702.4), dbSNP rs2534527721, ClinGen allele CA2580073894.

ClinVar aggregate classification (germline): Pathogenic (1 of 4 stars; one submission).

Conditions:
Treacher Collins syndrome 1 (TCS1). Also called: TCOF1-Related Treacher Collins Syndrome. Identifiers: Orphanet 861, MedGen CN315775, MONDO:0007944, OMIM 154500.

Submission:

Labcorp Genetics (formerly Invitae), Labcorp
Classification: Pathogenic for Treacher Collins syndrome 1. Last evaluated: 2022-05-17. Review status: criteria provided, single submitter. Criteria: Invitae Variant Classification Sherloc (09022015). Collection method: clinical testing. Allele origin: germline.
Comment: For these reasons, this variant has been classified as Pathogenic. This variant has not been reported in the literature in individuals affected with TCOF1-related conditions. This variant is not present in population databases (gnomAD no frequency). This sequence change creates a premature translational stop signal (p.Trp1304Glyfs*3) in the TCOF1 gene. It is expected to result in an absent or disrupted protein product. Loss-of-function variants in TCOF1 are known to be pathogenic (PMID: 8894686, 22317976).

Literature cited by the submitters: PubMed 8894686; PubMed 22317976.